The following is an entry in ClinVar:

NM_001389.5(DSCAM):c.1507+8T>C

Genes: DSCAM (DS cell adhesion molecule; minus strand), LOC126653376 (BRD4-independent group 4 enhancer GRCh37_chr21:41709903-41711102; plus strand). Cytogenetic location: 21q22.2.
Variant type: single nucleotide variant.
Coding change: c.1507+8T>C on transcript NM_001389.5 (MANE Select); 8 bases into the intron after coding-DNA position 1507, T replaced by C.
Molecular consequence: intron variant.
Genome position (GRCh38, 1-based): chr21:40,339,111, A>G on the plus strand (T>C on the coding strand, the complement: DSCAM is on the minus strand). VCF-style: chr21-40339111-A-G. GRCh37 (hg19) VCF-style: chr21-41711038-A-G.
Other names: c.1507+8T>C (NM_001271534.3).
Identifiers: ClinVar variation 2652675 (VCV002652675.24), dbSNP rs2516837346, ClinGen allele CA2695201455.

ClinVar aggregate classification (germline): Uncertain significance (1 of 4 stars; one submission).

Submission:

CeGaT Center for Human Genetics Tuebingen
Classification: Uncertain significance. Last evaluated: 2023-10-01. Review status: criteria provided, single submitter. Criteria: CeGaT Center For Human Genetics Tuebingen Variant Classification Criteria Version 2. Collection method: clinical testing. Allele origin: germline. Affected: yes. Observed: 1 variant allele.
Comment: DSCAM: PM2, BP4